The following is an entry in ClinVar:

ClinVar aggregate classification (germline): Uncertain significance (1 of 4 stars; one submission).

Conditions:
Pyogenic arthritis-pyoderma gangrenosum-acne syndrome (PAPA). Also called: PAPA SYNDROME; FAMILIAL RECURRENT ARTHRITIS. Identifiers: Orphanet 69126, MedGen C1858361, MONDO:0011462, OMIM 604416.

gnomAD v4.1: 1 of 1,600,908 alleles (0.000062%); no homozygotes.

Submission:

Labcorp Genetics (formerly Invitae), Labcorp
Classification: Uncertain significance for Pyogenic arthritis-pyoderma gangrenosum-acne syndrome. Last evaluated: 2024-03-16. Review status: criteria provided, single submitter. Criteria: Invitae Variant Classification Sherloc (09022015). Collection method: clinical testing. Allele origin: germline.
Comment: This sequence change replaces aspartic acid, which is acidic and polar, with tyrosine, which is neutral and polar, at codon 289 of the PSTPIP1 protein (p.Asp289Tyr). This variant is not present in population databases (gnomAD no frequency). This variant has not been reported in the literature in individuals affected with PSTPIP1-related conditions. Advanced modeling of protein sequence and biophysical properties (such as structural, functional, and spatial information, amino acid conservation, physicochemical variation, residue mobility, and thermodynamic stability) performed at Invitae indicates that this missense variant is not expected to disrupt PSTPIP1 protein function with a negative predictive value of 80%. In summary, the available evidence is currently insufficient to determine the role of this variant in disease. Therefore, it has been classified as a Variant of Uncertain Significance.

NM_003978.5(PSTPIP1):c.865G>T (p.Asp289Tyr)

Gene: PSTPIP1 (proline-serine-threonine phosphatase interacting protein 1; plus strand). Cytogenetic location: 15q24.3.
Variant type: single nucleotide variant.
Coding change: c.865G>T on transcript NM_003978.5 (MANE Select); coding-DNA position 865, G replaced by T.
Protein change: p.Asp289Tyr; replaces aspartic acid 289 with tyrosine.
Molecular consequence: missense variant. On other transcripts: intron variant (1).
Genome position (GRCh38, 1-based): chr15:77,032,888, G>T. VCF-style: chr15-77032888-G-T. GRCh37 (hg19) VCF-style: chr15-77325229-G-T.
Other names: c.838G>T, p.Asp280Tyr (NM_001321136.2); c.1060G>T, p.Asp354Tyr (NM_001321137.1); c.865G>T, p.Asp289Tyr (NM_001411086.1); c.872+460G>T (NM_001321135.2); short protein forms D280Y, D354Y, D289Y.
Identifiers: ClinVar variation 3697839 (VCV003697839.2).